The following is an entry in ClinVar:

NM_020778.5(ALPK3):c.684_729del (p.Ser228fs)

Gene: ALPK3 (alpha kinase 3; plus strand). Cytogenetic location: 15q25.3.
Variant type: Deletion.
Coding change: c.684_729del on transcript NM_020778.5 (MANE Select); coding-DNA positions 684 to 729, 46 bases deleted.
Protein change: p.Ser228fs; shifts the reading frame from serine 228.
Molecular consequence: frameshift variant.
Genome position (GRCh38, 1-based): chr15:84,839,963-84,840,008, 46 bases deleted; deleting any 46 consecutive bases within chr15:84,839,959-84,840,008 gives the same sequence; the c. name uses the placement nearest the transcript's 3' end. GRCh37 (hg19): chr15:85,383,194-85,383,239.
Other names: short protein forms S228fs.
Identifiers: ClinVar variation 4728629 (VCV004728629.1).
Genomic context (GRCh38, chr15:84,839,958, plus strand): 5'-CCTGGGGAGGTCGACACTCTGCGCAAGCTCAGCCCCGACCGCTTCCAGCGAAAGCGGCGA[TTGAGCGGGGCTCAAGCGCCGGGCCCCTCGGTCCCTACCAGGGAGCC>T]TGAGGGTGGGACCCTGGCGGCTTGGCAGGAGGGAGAGACTGAGACTGCTCAGCACTCAGG-3'

ClinVar aggregate classification (germline): Pathogenic (1 of 4 stars; one submission).

Submission:

Labcorp Genetics (formerly Invitae), Labcorp
Classification: Pathogenic. Last evaluated: 2025-11-01. Review status: criteria provided, single submitter. Criteria: Invitae Variant Classification Sherloc (09022015). Collection method: clinical testing. Allele origin: germline.
Comment: This sequence change creates a premature translational stop signal (p.Ser430Argfs*23) in the ALPK3 gene. It is expected to result in an absent or disrupted protein product. Loss-of-function variants in ALPK3 are known to be pathogenic (PMID: 21441111, 26846950, 27106955, 34263907). This variant is not present in population databases (gnomAD no frequency). This variant has not been reported in the literature in individuals affected with ALPK3-related conditions. For these reasons, this variant has been classified as Pathogenic.

Literature cited by the submitters: PubMed 21441111; PubMed 26846950; PubMed 27106955; PubMed 34263907.